The following is an entry in ClinVar:

ClinVar aggregate classification (germline): Uncertain significance (1 of 4 stars; one submission).

Conditions:
Primary ciliary dyskinesia. Also called: Ciliary dyskinesia. Identifiers: Orphanet 244, MedGen C0008780, MONDO:0016575, HP:0012265.

Submission:

Labcorp Genetics (formerly Invitae), Labcorp
Classification: Uncertain significance for Primary ciliary dyskinesia. Last evaluated: 2023-08-10. Review status: criteria provided, single submitter. Criteria: Invitae Variant Classification Sherloc (09022015). Collection method: clinical testing. Allele origin: germline.
Comment: This sequence change replaces leucine, which is neutral and non-polar, with proline, which is neutral and non-polar, at codon 2015 of the DNAH5 protein (p.Leu2015Pro). In summary, the available evidence is currently insufficient to determine the role of this variant in disease. Therefore, it has been classified as a Variant of Uncertain Significance. Advanced modeling of protein sequence and biophysical properties (such as structural, functional, and spatial information, amino acid conservation, physicochemical variation, residue mobility, and thermodynamic stability) performed at Invitae indicates that this missense variant is not expected to disrupt DNAH5 protein function. ClinVar contains an entry for this variant (Variation ID: 2049208). This missense change has been observed in individual(s) with primary ciliary dyskinesia (Invitae). In at least one individual the data is consistent with being in trans (on the opposite chromosome) from a pathogenic variant. This variant is not present in population databases (gnomAD no frequency).

NM_001369.3(DNAH5):c.6044T>C (p.Leu2015Pro)

Gene: DNAH5 (dynein axonemal heavy chain 5; minus strand). Cytogenetic location: 5p15.2.
Variant type: single nucleotide variant.
Coding change: c.6044T>C on transcript NM_001369.3 (MANE Select); coding-DNA position 6044, T replaced by C.
Protein change: p.Leu2015Pro; replaces leucine 2015 with proline.
Molecular consequence: missense variant.
Genome position (GRCh38, 1-based): chr5:13,830,614, A>G on the plus strand (T>C on the coding strand, the complement: DNAH5 is on the minus strand). VCF-style: chr5-13830614-A-G. GRCh37 (hg19) VCF-style: chr5-13830723-A-G.
Other names: short protein forms L2015P.
Identifiers: ClinVar variation 2049208 (VCV002049208.4), dbSNP rs2546881551, ClinGen allele CA359202143.